The following is an entry in ClinVar:

NM_152732.5(RSPH9):c.801GAA[1] (p.Lys268del)

Gene: RSPH9 (radial spoke head component 9; plus strand). Cytogenetic location: 6p21.1.
Variant type: Microsatellite.
Coding change: c.801GAA[1] on transcript NM_152732.5 (MANE Select); one copy of the 3-base unit GAA starting at c.801; the reference has two copies in a row; one copy, 3 bases deleted; also written c.804_806del.
Protein change: p.Lys268del; deletes lysine 268.
Molecular consequence: inframe deletion.
Genome position (GRCh38, 1-based): chr6:43,670,922-43,670,924, GAA deleted; deleting any 3 consecutive bases within chr6:43,670,918-43,670,924 gives the same sequence; the position shown is the placement nearest the transcript's 3' end. VCF-style (leftmost placement, unchanged base first): chr6-43670917-GAGA-G. GRCh37 (hg19) VCF-style: chr6-43638654-GAGA-G.
Other names: c.804_806delGAA (NM_152732.5); c.853GAA[1], p.Glu286del (NM_001193341.2); c.804_806del (NM_152732.4, NM_152732.5); c.856_858del (NM_001193341.1); short protein forms K268del, E286del.
Identifiers: ClinVar variation 66994 (VCV000066994.27), dbSNP rs397515340, ClinGen allele CA264805.

ClinVar aggregate classification (germline): Pathogenic/Likely pathogenic. Review status: criteria provided, multiple submitters, no conflicts (2 of 4 stars). 14 submissions from 14 submitters: Pathogenic (12); Likely pathogenic (1). 1 of the submissions does not count toward it. Last evaluated 2026-02-05.

Conditions:
Primary ciliary dyskinesia. Also called: Ciliary dyskinesia. Identifiers: Orphanet 244, MedGen C0008780, MONDO:0016575, HP:0012265.
RSPH9-related disorder. Also called: RSPH9-related condition.
Primary ciliary dyskinesia 12. Also called: CILIARY DYSKINESIA, PRIMARY, 12, WITHOUT SITUS INVERSUS. Identifiers: Orphanet 244, MedGen C2675228, MONDO:0012979, OMIM 612650.

Submissions (14):

Clinical Genetics and Genomics, Karolinska University Hospital
Classification: Pathogenic for Primary ciliary dyskinesia 12. Last evaluated: 2026-02-05. Review status: criteria provided, single submitter. Criteria: ACMG Guidelines, 2015. Collection method: clinical testing. Allele origin: germline. Inheritance: Autosomal recessive inheritance. Affected: yes.

Ambry Genetics
Classification: Pathogenic for Primary ciliary dyskinesia. Last evaluated: 2025-12-18. Review status: criteria provided, single submitter. Criteria: Ambry Variant Classification Scheme 2023. Collection method: clinical testing. Allele origin: germline.
Comment: The c.804_806delGAA pathogenic mutation (also known as p.K268del) is located in coding exon 5 of the RSPH9 gene. This variant results from an in-frame GAA deletion at nucleotide positions 804 to 806. This results in the in-frame deletion of a lysine at codon 268. This variant has been identified in the homozygous state and/or in conjunction with other variant(s) in this same gene in individual(s) with features consistent with primary ciliary dyskinesia, and segregated with disease in at least one family; furthermore, this variant has been described as a Saudi Arabian founder mutation (Castleman VH et al. Am J Hum Genet, 2009 Feb;84:197-209; Alsaadi MM et al. Ann Hum Genet, 2012 May;76:211-20; Kott E et al. Am J Hum Genet, 2013 Sep;93:561-70; Monies D et al. Am J Hum Genet, 2019 Jun;104:1182-1201; Gileles-Hillel A et al. ERJ Open Res, 2020 Oct;6; Fassad MR et al. J Med Genet, 2020 May;57:322-330; Blanchon S et al. J Med Genet, 2020 Apr;57:237-244; Alallah JS et al. Cureus, 2022 Aug;14:e27547; Al-Mutairi DA et al. J Clin Med, 2023 Oct;12). This amino acid position is well conserved in available vertebrate species. In addition, this variant is predicted to be deleterious by in silico analysis (Choi Y et al. PLoS ONE. 2012; 7(10):e46688). Based on the supporting evidence, this variant is interpreted as a disease-causing mutation.

Labcorp Genetics (formerly Invitae), Labcorp
Classification: Pathogenic for Primary ciliary dyskinesia. Last evaluated: 2025-12-03. Review status: criteria provided, single submitter. Criteria: Invitae Variant Classification Sherloc (09022015). Collection method: clinical testing. Allele origin: germline.
Comment: This variant, c.804_806del, results in the deletion of 1 amino acid(s) of the RSPH9 protein (p.Lys268del), but otherwise preserves the integrity of the reading frame. This variant is present in population databases (rs748432026, gnomAD 0.01%). This variant has been observed in individual(s) with primary ciliary dyskinesia (PMID: 19200523, 22384920, 23993197; internal data). It has also been observed to segregate with disease in related individuals. This variant is also known as c.801_803delGAA. ClinVar contains an entry for this variant (Variation ID: 66994). Algorithms developed to predict the effect of variants on gene product structure and function are not available or were not evaluated for this variant. Experimental studies have shown that this variant affects RSPH9 function (PMID: 19200523). For these reasons, this variant has been classified as Pathogenic.

3billion
Classification: Pathogenic for Primary ciliary dyskinesia 12. Last evaluated: 2025-09-17. Review status: criteria provided, single submitter. Criteria: ACMG Guidelines, 2015. Collection method: clinical testing. Allele origin: germline. Affected: yes.
Comment: The variant is observed at an extremely low frequency in the gnomAD v4.1.0 dataset (total allele frequency: 0.010%). Predicted Consequence/Location: Inframe deletion located in a nonrepeat region: predicted to change the length of the protein and disrupt normal protein function. The variant has been reported to be in trans with a pathogenic variant as either compound heterozygous or homozygous in at least one similarly affected unrelated individual (PMID: 22384920). The variant has been reported to co-segregate with the disease in at least 3 similarly affected relatives/individuals in the same family or similarly affected unrelated families (PMID: 22384920). The variant has been reported at least twice as pathogenic with clinical assertions and evidence for the classification (ClinVar ID: VCV000066994 /PMID: 19200523 /3billion dataset). Therefore, this variant is classified as Pathogenic according to the recommendation of ACMG/AMP guideline.

Department of Genetics, Sultan Qaboos University Hospital
Classification: Likely pathogenic for Primary ciliary dyskinesia. Last evaluated: 2025-08-15. Review status: criteria provided, single submitter. Criteria: ACMG Guidelines, 2015. Collection method: research. Allele origin: germline. Affected: yes.

First Genomix Gene Laboratory, Genetic Diagnostics Department
Classification: Pathogenic for Primary ciliary dyskinesia 12. Last evaluated: 2025-07-30. Review status: criteria provided, single submitter. Criteria: ACMG Guidelines, 2015. Collection method: clinical testing. Allele origin: germline. Inheritance: Autosomal recessive inheritance. Affected: no. Observed: 1 variant allele.

Dubai Health Genomic Medicine Center, Dubai Health
Classification: Pathogenic for Ciliary dyskinesia. Last evaluated: 2024-10-04. Review status: criteria provided, single submitter. Criteria: ACMG Guidelines, 2015. Collection method: research. Allele origin: germline. Affected: yes.
Comment: PS3,PP1,PM3 strong, PM2

Genomic Medicine Center of Excellence, King Faisal Specialist Hospital and Research Centre
Classification: Pathogenic for Primary ciliary dyskinesia 12. Last evaluated: 2024-03-25. Review status: criteria provided, single submitter. Criteria: ACMG Guidelines, 2015. Collection method: clinical testing. Allele origin: germline.

Blueprint Genetics
Classification: Pathogenic for RSPH9-related disorders. Last evaluated: 2023-06-01. Review status: criteria provided, single submitter. Criteria: ACMG Guidelines, 2015. Collection method: clinical testing. Allele origin: germline. Affected: yes. Observed: 5 variant alleles.

GeneDx
Classification: Pathogenic. Last evaluated: 2022-05-24. Review status: criteria provided, single submitter. Criteria: GeneDx Variant Classification Process June 2021. Collection method: clinical testing. Allele origin: germline. Affected: yes.
Comment: Published functional studies demonstrate a damaging effect consistent with a hypomorphic allele (Castleman et al., 2009); In-frame deletion of 1 amino acid in a non-repeat region.; In silico analysis supports a deleterious effect on protein structure/function; This variant is associated with the following publications: (PMID: 31772028, 19200523, 22384920, 23993197, 31130284, 31879361, 31589614, 33726816, 34401452)

Revvity Omics, Revvity
Classification: Pathogenic for Primary ciliary dyskinesia 12. Last evaluated: 2022-04-26. Review status: criteria provided, single submitter. Criteria: ACMG Guidelines, 2015. Collection method: clinical testing. Allele origin: germline.

Fulgent Genetics
Classification: Pathogenic for Primary ciliary dyskinesia 12. Last evaluated: 2022-01-20. Review status: criteria provided, single submitter. Criteria: ACMG Guidelines, 2015. Collection method: clinical testing. Allele origin: unknown.

Johns Hopkins Genomics, Johns Hopkins University
Classification: Pathogenic for Primary ciliary dyskinesia 12. Last evaluated: 2020-09-28. Review status: criteria provided, single submitter. Criteria: ACMG Guidelines, 2015. Collection method: clinical testing. Allele origin: germline.
Comment: This variant was reported in the homozygous state in multiple individuals presenting with pulmonary disease. A functional study has demonstrated that this variant causes immotile or abnormally beating cilia. RSPH9 c.804_806delGAA (rs909605187) is rare (<0.1%) in a large population dataset (gnomAD: 14/282846 total alleles; 0.005%; no homozygotes). This variant has been reported in ClinVar. RSPH9 c.804_806delGAA was found to segregate with disease in a large family. We consider this variant to be pathogenic.

OMIM
Classification: Pathogenic for CILIARY DYSKINESIA, PRIMARY, 12, WITHOUT SITUS INVERSUS. Last evaluated: 2009-02-01. Review status: no assertion criteria provided. Collection method: literature only. Allele origin: germline. Not counted in ClinVar's aggregate classification.

Literature cited by the submitters: PubMed 19200523 (cited by 5 submitters); PubMed 22384920 (cited by 4 submitters); PubMed 23993197 (cited by Ambry Genetics and Labcorp Genetics (formerly Invitae), Labcorp); PubMed 31130284 (cited by Ambry Genetics); PubMed 31772028 (cited by Ambry Genetics); PubMed 31879361 (cited by Ambry Genetics); PubMed 33447612 (cited by Ambry Genetics); PubMed 36059358 (cited by Ambry Genetics); PubMed 37892643 (cited by Ambry Genetics).